The following is an entry in ClinVar:

NM_013372.7(GREM1):c.144G>T (p.Gln48His)

Gene: GREM1 (gremlin 1, DAN family BMP antagonist; plus strand). Cytogenetic location: 15q13.3.
Variant type: single nucleotide variant.
Coding change: c.144G>T on transcript NM_013372.7 (MANE Select); coding-DNA position 144, G replaced by T.
Protein change: p.Gln48His; replaces glutamine 48 with histidine.
Molecular consequence: missense variant. On other transcripts: intron variant (2).
Genome position (GRCh38, 1-based): chr15:32,730,834, G>T. VCF-style: chr15-32730834-G-T. GRCh37 (hg19) VCF-style: chr15-33023035-G-T.
Other names: c.144G>T, p.Gln48His (NM_001368719.1); c.114+30G>T (NM_001191323.2); c.28-94G>T (NM_001191322.2); short protein forms Q48H.
Identifiers: ClinVar variation 1772917 (VCV001772917.3), dbSNP rs774292923, ClinGen allele CA7456116.
Genomic context (GRCh38, chr15:32,730,834, plus strand): 5'-GTCCCAAGGTGCCATCCCCCCGCCAGACAAGGCCCAGCACAATGACTCAGAGCAGACTCA[G>T]TCGCCCCAGCAGCCTGGCTCCAGGAACCGGGGGCGGGGCCAAGGGCGGGGCACTGCCATG-3'
Protein context (NP_037504.1, residues 38-58): KAQHNDSEQT[Gln48His]SPQQPGSRNR

ClinVar aggregate classification (germline): Uncertain significance (1 of 4 stars; one submission).

Conditions:
Hereditary cancer-predisposing syndrome. Also called: Tumor predisposition; Hereditary Cancer Syndrome; Hereditary neoplastic syndrome; Neoplastic Syndromes, Hereditary. Identifiers: Orphanet 140162, MedGen C0027672, MeSH D009386, MONDO:0015356.

Allele frequency attached by ClinVar (database versions not stated): gnomAD exomes 0.00001; TOPMed 0.00001; ExAC 0.00003.

Submission:

Ambry Genetics
Classification: Uncertain significance for Hereditary cancer-predisposing syndrome. Last evaluated: 2025-12-21. Review status: criteria provided, single submitter. Criteria: Ambry Variant Classification Scheme 2023. Collection method: clinical testing. Allele origin: germline.
Comment: The p.Q48H variant (also known as c.144G>T), located in coding exon 1 of the GREM1 gene, results from a G to T substitution at nucleotide position 144. The glutamine at codon 48 is replaced by histidine, an amino acid with highly similar properties. This amino acid position is conserved. In addition, this alteration is predicted to be tolerated by in silico analysis. Since supporting evidence is limited at this time, the clinical significance of this alteration remains unclear.